The following is an entry in ClinVar:

NM_000562.3(C8A):c.231C>A (p.Asp77Glu)

Gene: C8A (complement C8 alpha chain; plus strand). Cytogenetic location: 1p32.2.
Variant type: single nucleotide variant.
Coding change: c.231C>A on transcript NM_000562.3 (MANE Select); coding-DNA position 231, C replaced by A.
Protein change: p.Asp77Glu; replaces aspartic acid 77 with glutamic acid.
Molecular consequence: missense variant.
Genome position (GRCh38, 1-based): chr1:56,875,008, C>A. VCF-style: chr1-56875008-C-A. GRCh37 (hg19) VCF-style: chr1-57340681-C-A.
Other names: c.231C>A (NM_000562.2); short protein forms D77E.
Identifiers: ClinVar variation 1495434 (VCV001495434.7), dbSNP rs2101216851, ClinGen allele CA340511905.
Genomic context (GRCh38, chr1:56,875,008, plus strand): 5'-GTACCGACACCGGAGCCTCTTGCAGCCAAACAAGTTTGGGGGAACCATCTGCAGTGGTGA[C>A]ATCTGGGATCAAGCCAGCTGCTCCAGTTCTACAACTTGTGTAAGGCAAGCACAGTGTGGA-3'
Protein context (NP_000553.1, residues 67-87): NKFGGTICSG[Asp77Glu]IWDQASCSSS

ClinVar aggregate classification (germline): Uncertain significance. Review status: criteria provided, multiple submitters, no conflicts (2 of 4 stars). 2 submissions from 2 submitters: Uncertain significance (2). Last evaluated 2025-10-21.

Submissions (2):

Ambry Genetics
Classification: Uncertain significance. Last evaluated: 2025-10-21. Review status: criteria provided, single submitter. Criteria: Ambry Variant Classification Scheme 2023. Collection method: clinical testing. Allele origin: germline.

Labcorp Genetics (formerly Invitae), Labcorp
Classification: Uncertain significance. Last evaluated: 2021-05-31. Review status: criteria provided, single submitter. Criteria: Invitae Variant Classification Sherloc (09022015). Collection method: clinical testing. Allele origin: germline.
Comment: In summary, the available evidence is currently insufficient to determine the role of this variant in disease. Therefore, it has been classified as a Variant of Uncertain Significance. Algorithms developed to predict the effect of missense changes on protein structure and function (SIFT, PolyPhen-2, Align-GVGD) all suggest that this variant is likely to be tolerated, but these predictions have not been confirmed by published functional studies and their clinical significance is uncertain. This variant has not been reported in the literature in individuals with C8A-related conditions. This variant is not present in population databases (ExAC no frequency). This sequence change replaces aspartic acid with glutamic acid at codon 77 of the C8A protein (p.Asp77Glu). The aspartic acid residue is moderately conserved and there is a small physicochemical difference between aspartic acid and glutamic acid.